The following is an entry in ClinVar:

ClinVar aggregate classification (germline): Conflicting classifications of pathogenicity. Review status: criteria provided, conflicting classifications (1 of 4 stars). 6 submissions from 6 submitters: Uncertain significance (2); Benign (1); Likely benign (3). Last evaluated 2026-09-01.

Conditions:
Inborn genetic diseases. Identifiers: MedGen C0950123, MeSH D030342.
Kleefstra syndrome 1 (KLEFS1). Identifiers: Orphanet 261494, MedGen C0795833, MONDO:0027407, OMIM 610253.

Allele frequency attached by ClinVar (database versions not stated): gnomAD exomes 0.00007 and 0.00010; gnomAD 0.00008 and 0.00009; TOPMed 0.00010; ExAC 0.00015.
gnomAD v4.1: 114 of 1,598,322 alleles (0.0071%); highest among the groups gnomAD compares: Middle Eastern, 0.25%; 1 homozygote.

Submissions (6):

CeGaT Center for Human Genetics Tuebingen
Classification: Likely benign. Last evaluated: 2026-09-01. Review status: criteria provided, single submitter. Criteria: CeGaT Center For Human Genetics Tuebingen Variant Classification Criteria Version 2. Collection method: clinical testing. Allele origin: germline. Affected: yes. Observed: 3 variant alleles.
Comment: EHMT1: BS1

Labcorp Genetics (formerly Invitae), Labcorp
Classification: Benign for Kleefstra syndrome 1. Last evaluated: 2025-06-09. Review status: criteria provided, single submitter. Criteria: Invitae Variant Classification Sherloc (09022015). Collection method: clinical testing. Allele origin: germline.

Revvity Omics, Revvity
Classification: Likely benign for Kleefstra syndrome 1. Last evaluated: 2023-11-15. Review status: criteria provided, single submitter. Criteria: ACMG Guidelines, 2015. Collection method: clinical testing. Allele origin: germline.

GeneDx
Classification: Likely benign. Last evaluated: 2018-10-26. Review status: criteria provided, single submitter. Criteria: GeneDx Variant Classification Process June 2021. Collection method: clinical testing. Allele origin: germline. Affected: yes.
Comment: This variant is associated with the following publications: (PMID: 28492532)

Ambry Genetics
Classification: Uncertain significance for Inborn genetic diseases. Last evaluated: 2018-02-27. Review status: criteria provided, single submitter. Criteria: Ambry Variant Classification Scheme 2023. Collection method: clinical testing. Allele origin: germline.
Comment: The p.E1283A variant (also known as c.3848A>C), located in coding exon 27 of the EHMT1 gene, results from an A to C substitution at nucleotide position 3848. The glutamic acid at codon 1283 is replaced by alanine, an amino acid with dissimilar properties. This amino acid position is not well conserved in available vertebrate species. In addition, this alteration is predicted to be tolerated by in silico analysis. Since supporting evidence is limited at this time, the clinical significance of this alteration remains unclear.

Eurofins Ntd Llc (ga)
Classification: Uncertain significance. Last evaluated: 2013-07-11. Review status: criteria provided, single submitter. Criteria: EGL Classification Definitions 2015. Collection method: clinical testing. Allele origin: germline. Observed: 2 variant alleles, 2 heterozygotes.

NM_024757.5(EHMT1):c.3848A>C (p.Glu1283Ala)

Gene: EHMT1 (euchromatic histone lysine methyltransferase 1; plus strand). Cytogenetic location: 9q34.3.
Variant type: single nucleotide variant.
Coding change: c.3848A>C on transcript NM_024757.5 (MANE Select); coding-DNA position 3848, A replaced by C.
Protein change: p.Glu1283Ala; replaces glutamic acid 1283 with alanine.
Molecular consequence: missense variant.
Genome position (GRCh38, 1-based): chr9:137,834,904, A>C. VCF-style: chr9-137834904-A-C. GRCh37 (hg19) VCF-style: chr9-140729356-A-C.
Other names: c.3827A>C, p.Glu1276Ala (NM_001354263.2); short protein forms E1283A, E1276A.
Identifiers: ClinVar variation 96161 (VCV000096161.43), dbSNP rs398124408, ClinGen allele CA223778.